The following is an entry in ClinVar:

ClinVar aggregate classification (germline): Uncertain significance (1 of 4 stars; one submission).

gnomAD v4.1: 15 of 1,613,614 alleles (0.00093%); highest among the groups gnomAD compares: Admixed American, 0.02%; 1 homozygote.

Submission:

Labcorp Genetics (formerly Invitae), Labcorp
Classification: Uncertain significance. Last evaluated: 2024-11-25. Review status: criteria provided, single submitter. Criteria: Invitae Variant Classification Sherloc (09022015). Collection method: clinical testing. Allele origin: germline.
Comment: This sequence change replaces histidine, which is basic and polar, with arginine, which is basic and polar, at codon 60 of the OSBPL2 protein (p.His60Arg). This variant is present in population databases (rs772159670, gnomAD 0.03%), including at least one homozygous and/or hemizygous individual. This variant has not been reported in the literature in individuals affected with OSBPL2-related conditions. An algorithm developed to predict the effect of missense changes on protein structure and function outputs the following: PolyPhen-2: "Benign". The arginine amino acid residue is found in multiple mammalian species, which suggests that this missense change does not adversely affect protein function. In summary, the available evidence is currently insufficient to determine the role of this variant in disease. Therefore, it has been classified as a Variant of Uncertain Significance.

NM_144498.4(OSBPL2):c.179A>G (p.His60Arg)

Gene: OSBPL2 (oxysterol binding protein like 2; plus strand). Cytogenetic location: 20q13.33.
Variant type: single nucleotide variant.
Coding change: c.179A>G on transcript NM_144498.4 (MANE Select); coding-DNA position 179, A replaced by G.
Protein change: p.His60Arg; replaces histidine 60 with arginine.
Molecular consequence: missense variant. On other transcripts: 5 prime UTR variant (1), intron variant (1).
Genome position (GRCh38, 1-based): chr20:62,260,122, A>G. VCF-style: chr20-62260122-A-G. GRCh37 (hg19) VCF-style: chr20-60835178-A-G.
Other names: c.-188A>G (NM_001363878.2); c.143A>G, p.His48Arg (NM_014835.5); c.-184-3494A>G (NM_001278649.3); short protein forms H48R, H60R.
Identifiers: ClinVar variation 3628605 (VCV003628605.2).